The following is an entry in ClinVar:

ClinVar aggregate classification (germline): Benign. Review status: criteria provided, multiple submitters, no conflicts (2 of 4 stars). 2 submissions from 2 submitters: Benign (2). Last evaluated 2018-01-13.

Conditions:
Cone-rod dystrophy 5 (CORD5). Identifiers: Orphanet 1872, MedGen C1832976, MONDO:0010969, OMIM 600977.

Allele frequency attached by ClinVar (database versions not stated): 1000 Genomes Project 30x 0.70253; 1000 Genomes Project 0.70567; TOPMed 0.71102; gnomAD 0.71281 and 0.71678; gnomAD exomes 0.77865.
gnomAD v4.1: 109,431 of 152,448 alleles (72%); highest among the groups gnomAD compares: Non-Finnish European, 79%; 40,062 homozygotes.

Submissions (2):

Illumina Laboratory Services, Illumina
Classification: Benign for Cone-rod dystrophy 5. Last evaluated: 2018-01-13. Review status: criteria provided, single submitter. Criteria: ICSL Variant Classification Criteria 13 December 2019. Collection method: clinical testing. Allele origin: germline.
Comment: This variant was observed in the ICSL laboratory as part of a predisposition screen in an ostensibly healthy population. It had not been previously curated by ICSL or reported in the Human Gene Mutation Database (HGMD: prior to June 1st, 2018), and was therefore a candidate for classification through an automated scoring system. Utilizing variant allele frequency, disease prevalence and penetrance estimates, and inheritance mode, an automated score was calculated to assess if this variant is too frequent to cause the disease. Based on the score and internal cut-off values, a variant classified as benign is not then subjected to further curation. The score for this variant resulted in a classification of benign for this disease.

Breakthrough Genomics
Classification: Benign. Review status: criteria provided, single submitter. Criteria: ACMG Guidelines, 2015. Collection method: not provided. Allele origin: germline. Inheritance: Autosomal dominant inheritance. Affected: yes.

NM_031220.4(PITPNM3):c.*641C>T

Gene: PITPNM3 (PITPNM family member 3; minus strand). Cytogenetic location: 17p13.2.
Variant type: single nucleotide variant.
Coding change: c.*641C>T on transcript NM_031220.4 (MANE Select); 641 bases downstream of the stop codon, C replaced by T.
Molecular consequence: 3 prime UTR variant.
Genome position (GRCh38, 1-based): chr17:6,454,697, G>A on the plus strand (C>T on the coding strand, the complement: PITPNM3 is on the minus strand). VCF-style: chr17-6454697-G-A. GRCh37 (hg19) VCF-style: chr17-6358017-G-A.
Other names: c.*641C>T (NM_001165966.2).
Identifiers: ClinVar variation 324731 (VCV000324731.6), dbSNP rs4796331, ClinGen allele CA10646546.